The following is an entry in ClinVar:

ClinVar aggregate classification (germline): Uncertain significance (1 of 4 stars; one submission).

Conditions:
CNTN5-related disorder. Also called: CNTN5-related condition.

gnomAD v4.1: 1 of 1,586,080 alleles (0.000063%); highest among the groups gnomAD compares: African/African-American, 0.0014%; no homozygotes.

Submission:

PreventionGenetics, part of Exact Sciences
Classification: Uncertain significance for CNTN5-related condition. Last evaluated: 2023-03-28. Review status: criteria provided, single submitter. Criteria: ACMG Guidelines, 2015. Collection method: clinical testing. Allele origin: germline.
Comment: The CNTN5 c.1586C>T variant is predicted to result in the amino acid substitution p.Ala529Val. To our knowledge, this variant has not been reported in the literature or in a large population database, indicating this variant is rare. At this time, the clinical significance of this variant is uncertain due to the absence of conclusive functional and genetic evidence.

NM_014361.4(CNTN5):c.1586C>T (p.Ala529Val)

Gene: CNTN5 (contactin 5; plus strand). Cytogenetic location: 11q22.1.
Variant type: single nucleotide variant.
Coding change: c.1586C>T on transcript NM_014361.4 (MANE Select); coding-DNA position 1586, C replaced by T.
Protein change: p.Ala529Val; replaces alanine 529 with valine.
Molecular consequence: missense variant.
Genome position (GRCh38, 1-based): chr11:100,191,131, C>T. VCF-style: chr11-100191131-C-T. GRCh37 (hg19) VCF-style: chr11-100061863-C-T.
Other names: c.1586C>T, p.Ala529Val (NM_001243270.2, NM_001243271.2); c.1364C>T, p.Ala455Val (NM_175566.2); short protein forms A455V, A529V.
Identifiers: ClinVar variation 2633523 (VCV002633523.1), dbSNP rs1432317071, ClinGen allele CA382479668.
Genomic context (GRCh38, chr11:100,191,131, plus strand): 5'-TATTTAGCTGATTGCAGTAAAACAGAAAAAAAAACTGTTTTTAAATAATTTTCAGAATAG[C>T]TATTCTTCCAGACGGGAGTCTACGGATCCTAAATGCTTCCAAATCAGACGAGGGAAAGTA-3'
Protein context (NP_055176.1, residues 519-539): DRAVRENKRI[Ala529Val]ILPDGSLRIL